The following is an entry in ClinVar:

NM_001035.3(RYR2):c.2300_2301delinsGT (p.Ser767Cys)

Gene: RYR2 (ryanodine receptor 2; plus strand). Cytogenetic location: 1q43.
Variant type: Indel.
Coding change: c.2300_2301delinsGT on transcript NM_001035.3 (MANE Select); coding-DNA positions 2300 to 2301, CG replaced by GT.
Protein change: p.Ser767Cys; replaces serine 767 with cysteine.
Molecular consequence: missense variant.
Genome position (GRCh38, 1-based): chr1:237,500,807-237,500,808, CG replaced by GT. VCF-style: chr1-237500807-CG-GT. GRCh37 (hg19) VCF-style: chr1-237664107-CG-GT.
Other names: c.2300_2301delinsGT, p.Ser767Cys (LRG_402t1); short protein forms S767C.
Identifiers: ClinVar variation 452254 (VCV000452254.7), dbSNP rs1553474603, ClinGen allele CA658656995.

ClinVar aggregate classification (germline): Uncertain significance. Review status: criteria provided, multiple submitters, no conflicts (2 of 4 stars). 2 submissions from 2 submitters: Uncertain significance (2). Last evaluated 2023-12-04.

Conditions:
Cardiomyopathy (CMYO). Also called: Cardiomyopathies. Identifiers: Orphanet 167848, MedGen C0878544, MONDO:0004994, HP:0001638. Inheritance: Various modes of inheritance.

Submissions (2):

Color Diagnostics, LLC DBA Color Health
Classification: Uncertain significance for Cardiomyopathy. Last evaluated: 2023-12-04. Review status: criteria provided, single submitter. Criteria: ACMG Guidelines, 2015. Collection method: clinical testing. Allele origin: germline.
Comment: This missense variant replaces serine with cysteine at codon 767 of the RYR2 protein. Computational prediction tools and conservation analyses are inconclusive regarding the impact of this variant on protein structure and function. Splice site prediction tools suggest that this variant may not impact RNA splicing. To our knowledge, functional studies have not been performed for this variant. This variant has been reported in an individual affected with catecholaminergic polymorphic ventricular tachycardia (Takayama 2017). The proband was compound heterozygous for this variant and a splice site variant, RYR2 c.14298+2T>C. The proband's heterozygous parents were asymptomatic. This variant has not been identified in the general population by the Genome Aggregation Database (gnomAD). The available evidence is insufficient to determine the role of this variant in disease conclusively. Therefore, this variant is classified as a Variant of Uncertain Significance.

GeneDx
Classification: Uncertain significance. Last evaluated: 2017-09-19. Review status: criteria provided, single submitter. Criteria: GeneDx Variant Classification (06012015). Collection method: clinical testing. Allele origin: germline. Affected: yes.
Comment: A variant of uncertain significance has been identified in the RYR2 gene. The c.2300_2301delCGinsGT variant has not been published as pathogenic or been reported as benign to our knowledge. This variant is also not observed in large population cohorts (Lek et al., 2016). The c.2300_2301delCGinsGT variant causes the deletion of two base pairs and insertion of two incorrect base pairs, which leads to the replacement of a serine (S) residue with a cysteine (C) residue at codon position 767, denoted S767C. The S767C variant is a non-conservative amino acid substitution, which is likely to impact secondary protein structure as these residues differ in polarity, charge, size and/or other properties. This amino acid substitution occurs at a position that is conserved across species and in silico analysis predicts this variant is probably damaging to the protein structure/function. Nevertheless, S767C is not located in one of the three hot-spot regions of the RYR2 gene, where the majority of pathogenic missense variants occur (Medeiros-Domingo et al., 2009). Additionally, this variant lacks observation in a significant number of affected individuals, segregation data and functional evidence, all of which would further clarify its role in disease.